The following is an entry in ClinVar:

NM_024675.4(PALB2):c.3159T>C (p.Asp1053=)

Gene: PALB2 (partner and localizer of BRCA2; minus strand). Cytogenetic location: 16p12.2.
Variant type: single nucleotide variant.
Coding change: c.3159T>C on transcript NM_024675.4 (MANE Select); coding-DNA position 3159, T replaced by C.
Protein change: p.Asp1053=; no amino-acid change (aspartic acid 1053 retained).
Molecular consequence: synonymous variant.
Genome position (GRCh38, 1-based): chr16:23,614,046, A>G on the plus strand (T>C on the coding strand, the complement: PALB2 is on the minus strand). VCF-style: chr16-23614046-A-G. GRCh37 (hg19) VCF-style: chr16-23625367-A-G.
Identifiers: ClinVar variation 484200 (VCV000484200.6), dbSNP rs1555458816, ClinGen allele CA494177648.

ClinVar aggregate classification (germline): Benign/Likely benign. Review status: criteria provided, multiple submitters, no conflicts (2 of 4 stars). 3 submissions from 3 submitters: Benign (1); Likely benign (2). Last evaluated 2025-01-21.

Conditions:
Hereditary cancer-predisposing syndrome. Also called: Neoplastic Syndromes, Hereditary; Tumor predisposition; Hereditary Cancer Syndrome; Hereditary neoplastic syndrome. Identifiers: Orphanet 140162, MedGen C0027672, MeSH D009386, MONDO:0015356.
Familial cancer of breast. Also called: BREAST CANCER, FAMILIAL; Hereditary breast cancer; hereditary breast carcinoma. Identifiers: Orphanet 227535, MedGen C0346153, MONDO:0016419, OMIM 114480. Disease mechanism: loss of function.

Submissions (3):

Myriad Genetics, Inc.
Classification: Benign for Familial cancer of breast. Last evaluated: 2025-01-21. Review status: criteria provided, single submitter. Criteria: Myriad Autosomal Dominant, Autosomal Recessive and X-Linked Classification Criteria (2023). Collection method: clinical testing. Allele origin: unknown.
Comment: This variant is considered benign. This variant is a silent/synonymous amino acid change and it is not expected to impact splicing.

GeneDx
Classification: Likely benign. Last evaluated: 2018-03-06. Review status: criteria provided, single submitter. Criteria: GeneDx Variant Classification (06012015). Collection method: clinical testing. Allele origin: germline. Affected: yes.
Comment: This variant is considered likely benign or benign based on one or more of the following criteria: it is a conservative change, it occurs at a poorly conserved position in the protein, it is predicted to be benign by multiple in silico algorithms, and/or has population frequency not consistent with disease.

Ambry Genetics
Classification: Likely benign for Hereditary cancer-predisposing syndrome. Last evaluated: 2016-10-17. Review status: criteria provided, single submitter. Criteria: Ambry Variant Classification Scheme 2023. Collection method: clinical testing. Allele origin: germline.